The following is an entry in ClinVar:

NM_000501.4(ELN):c.1283G>C (p.Gly428Ala)

Gene: ELN (elastin; plus strand). Cytogenetic location: 7q11.23.
Variant type: single nucleotide variant.
Coding change: c.1283G>C on transcript NM_000501.4 (MANE Select); coding-DNA position 1283, G replaced by C.
Protein change: p.Gly428Ala; replaces glycine 428 with alanine.
Molecular consequence: missense variant. On other transcripts: intron variant (2).
Genome position (GRCh38, 1-based): chr7:74,056,403, G>C. VCF-style: chr7-74056403-G-C. GRCh37 (hg19) VCF-style: chr7-73470733-G-C.
Other names: c.1253G>C, p.Gly418Ala (NM_001081752.3, NM_001278917.2); c.1298G>C, p.Gly433Ala (NM_001081753.3, NM_001081754.3); c.1283G>C, p.Gly428Ala (NM_001081755.3, NM_001278912.2, NM_001278915.2 and 1 more transcripts); c.1268G>C, p.Gly423Ala (NM_001278914.2); c.1241G>C, p.Gly414Ala (NM_001278916.2); c.1129+46G>C (NM_001278913.2); c.1105+46G>C (NM_001278918.2); short protein forms G418A, G414A, G428A, G423A, G433A.
Identifiers: ClinVar variation 1498005 (VCV001498005.6), dbSNP rs1795235239, ClinGen allele CA367881830.

ClinVar aggregate classification (germline): Uncertain significance (1 of 4 stars; one submission).

Conditions:
Supravalvar aortic stenosis (SVAS). Also called: Supravalvar aortic stenosis, Eisenberg type. Identifiers: Orphanet 3193, MedGen C0003499, MONDO:0008504, OMIM 185500, HP:0004381.

Allele frequency attached by ClinVar (database versions not stated): gnomAD exomes below 0.00001.
gnomAD v4.1: 1 of 1,613,700 alleles (0.000062%); highest among the groups gnomAD compares: Non-Finnish European, 0.000085%; no homozygotes.

Submission:

Labcorp Genetics (formerly Invitae), Labcorp
Classification: Uncertain significance for Supravalvar aortic stenosis. Last evaluated: 2021-12-25. Review status: criteria provided, single submitter. Criteria: Invitae Variant Classification Sherloc (09022015). Collection method: clinical testing. Allele origin: germline.
Comment: This sequence change replaces glycine, which is neutral and non-polar, with alanine, which is neutral and non-polar, at codon 428 of the ELN protein (p.Gly428Ala). This variant is not present in population databases (gnomAD no frequency). In summary, the available evidence is currently insufficient to determine the role of this variant in disease. Therefore, it has been classified as a Variant of Uncertain Significance. Algorithms developed to predict the effect of missense changes on protein structure and function are either unavailable or do not agree on the potential impact of this missense change (SIFT: "Deleterious"; PolyPhen-2: "Not Available"; Align-GVGD: "Class C0"). This variant has not been reported in the literature in individuals affected with ELN-related conditions.